The following is an entry in ClinVar:

ClinVar aggregate classification (germline): Uncertain significance (1 of 4 stars; one submission).

Submission:

GeneDx
Classification: Uncertain significance. Last evaluated: 2024-07-11. Review status: criteria provided, single submitter. Criteria: GeneDx Variant Classification Process June 2021. Collection method: clinical testing. Allele origin: germline. Affected: yes.
Comment: Not observed at significant frequency in large population cohorts (gnomAD); Missense variant in a gene in which most reported pathogenic variants are truncating/loss of function; Has not been previously published as pathogenic or benign to our knowledge

NM_001267550.2(TTN):c.73163G>A (p.Gly24388Asp)

Genes: TTN (titin; minus strand), TTN-AS1 (TTN antisense RNA 1; plus strand). Cytogenetic location: 2q31.2.
Variant type: single nucleotide variant.
Coding change: c.73163G>A on transcript NM_001267550.2 (MANE Select); coding-DNA position 73163, G replaced by A.
Protein change: p.Gly24388Asp; replaces glycine 24388 with aspartic acid.
Molecular consequence: missense variant.
Genome position (GRCh38, 1-based): chr2:178,572,969, C>T on the plus strand (G>A on the coding strand, the complement: TTN is on the minus strand). VCF-style: chr2-178572969-C-T. GRCh37 (hg19) VCF-style: chr2-179437696-C-T.
Other names: c.68240G>A, p.Gly22747Asp (NM_001256850.1); c.45968G>A, p.Gly15323Asp (NM_003319.4); c.65459G>A, p.Gly21820Asp (NM_133378.4); c.46343G>A, p.Gly15448Asp (NM_133432.3); c.46544G>A, p.Gly15515Asp (NM_133437.4); short protein forms G15515D, G24388D, G21820D, G15323D, G15448D, G22747D.
Identifiers: ClinVar variation 3572811 (VCV003572811.1).
Genomic context (GRCh38, chr2:178,572,969, plus strand): 5'-CCAAGTCCTTCGGAATTCATGGCATAGATGCGGATCTTATATTCCTGATTCTCTGTGAGG[C>T]CAGTGATAGTATACGAAGTTGCCTTGAGTCCTGCTGGTGGAGTGACAATCTGCCATTCAT-3'
Protein context (NP_001254479.2, residues 24378-24398): GLKATSYTIT[Gly24388Asp]LTENQEYKIR